The following is an entry in ClinVar:

NM_001355436.2(SPTB):c.755_756del (p.Asp252fs)

Gene: SPTB (spectrin beta, erythrocytic; minus strand). Cytogenetic location: 14q23.3.
Variant type: Deletion.
Coding change: c.755_756del on transcript NM_001355436.2 (MANE Select); coding-DNA positions 755 to 756, 2 bases deleted (AC; older notation c.755_756delAC).
Protein change: p.Asp252fs; shifts the reading frame from aspartic acid 252.
Molecular consequence: frameshift variant.
Genome position (GRCh38, 1-based): chr14:64,801,292-64,801,293, GT deleted on the plus strand (AC on the coding strand, the reverse complement: SPTB is on the minus strand). VCF-style (leftmost placement, unchanged base first): chr14-64801291-GGT-G. GRCh37 (hg19) VCF-style: chr14-65268009-GGT-G.
Other names: c.755_756del, p.Asp252fs (NM_001024858.4, NM_001355437.2); short protein forms D252fs.
Identifiers: ClinVar variation 4712453 (VCV004712453.1).

ClinVar aggregate classification (germline): Pathogenic (1 of 4 stars; one submission).

Submission:

Labcorp Genetics (formerly Invitae), Labcorp
Classification: Pathogenic. Last evaluated: 2025-02-06. Review status: criteria provided, single submitter. Criteria: Invitae Variant Classification Sherloc (09022015). Collection method: clinical testing. Allele origin: germline.
Comment: This sequence change creates a premature translational stop signal (p.Asp252Alafs*10) in the SPTB gene. It is expected to result in an absent or disrupted protein product. Loss-of-function variants in SPTB are known to be pathogenic (PMID: 1391962, 1498324, 8844207, 26830532, 27292444). This variant is not present in population databases (gnomAD no frequency). This variant has not been reported in the literature in individuals affected with SPTB-related conditions. For these reasons, this variant has been classified as Pathogenic.

Literature cited by the submitters: PubMed 1391962; PubMed 1498324; PubMed 8844207; PubMed 26830532; PubMed 27292444.